The following is an entry in ClinVar:

ClinVar aggregate classification (germline): Uncertain significance. Review status: criteria provided, multiple submitters, no conflicts (2 of 4 stars). 3 submissions from 3 submitters: Uncertain significance (3). Last evaluated 2025-05-16.

Conditions:
Inborn genetic diseases. Identifiers: MedGen C0950123, MeSH D030342.
Mitochondrial complex I deficiency, nuclear type 18. Also called: Mitochondrial complex 1 deficiency, nuclear type 18. Identifiers: MedGen C4748790, MONDO:0032623, OMIM 618240.

Submissions (3):

Ambry Genetics
Classification: Uncertain significance for Inborn genetic diseases. Last evaluated: 2025-05-16. Review status: criteria provided, single submitter. Criteria: Ambry Variant Classification Scheme 2023. Collection method: clinical testing. Allele origin: germline.

GeneDx
Classification: Uncertain significance. Last evaluated: 2023-12-27. Review status: criteria provided, single submitter. Criteria: GeneDx Variant Classification Process June 2021. Collection method: clinical testing. Allele origin: germline. Affected: yes.
Comment: Not observed at significant frequency in large population cohorts (gnomAD); In silico analysis supports that this missense variant does not alter protein structure/function; Has not been previously published as pathogenic or benign to our knowledge

Baylor Genetics
Classification: Uncertain significance for Mitochondrial complex I deficiency, nuclear type 18. Last evaluated: 2019-09-13. Review status: criteria provided, single submitter. Criteria: ACMG Guidelines, 2015. Collection method: clinical testing. Allele origin: unknown. Affected: yes.
Comment: This variant was determined to be of uncertain significance according to ACMG Guidelines, 2015 [PMID:25741868].

NM_199069.2(NDUFAF3):c.112G>A (p.Asp38Asn)

Genes: NDUFAF3 (NADH:ubiquinone oxidoreductase complex assembly factor 3; plus strand), LOC129936730 (ATAC-STARR-seq lymphoblastoid silent region 14350; plus strand). Cytogenetic location: 3p21.31.
Variant type: single nucleotide variant.
Coding change: c.112G>A on transcript NM_199069.2 (MANE Select); coding-DNA position 112, G replaced by A.
Protein change: p.Asp38Asn; replaces aspartic acid 38 with asparagine.
Molecular consequence: missense variant. On other transcripts: 5 prime UTR variant (3).
Genome position (GRCh38, 1-based): chr3:49,022,380, G>A. VCF-style: chr3-49022380-G-A. GRCh37 (hg19) VCF-style: chr3-49059813-G-A.
Other names: c.-60G>A (NM_199070.2, NM_199073.2, NM_199074.2); short protein forms D38N.
Identifiers: ClinVar variation 1030419 (VCV001030419.3), dbSNP rs2093168573, ClinGen allele CA352727151.